The following is an entry in ClinVar:

ClinVar aggregate classification (germline): Uncertain significance (1 of 4 stars; one submission).

Conditions:
COACH syndrome 3. Identifiers: MedGen C5436841, MONDO:0030862, OMIM 619113.
Joubert syndrome 7 (JBTS7). Identifiers: Orphanet 220497, MedGen C1969053, MONDO:0012694, OMIM 611560.
Meckel syndrome, type 5 (MKS5). Identifiers: Orphanet 564, MedGen C1969052, MONDO:0012695, OMIM 611561.

gnomAD v4.1: 4 of 1,611,802 alleles (0.00025%); highest among the groups gnomAD compares: South Asian, 0.0011%; no homozygotes.

Submission:

Juno Genomics, Hangzhou Juno Genomics, Inc
Classification: Uncertain significance for COACH syndrome 3; Joubert syndrome 7; Meckel syndrome, type 5. Review status: criteria provided, single submitter. Criteria: ACMG Guidelines, 2015. Collection method: clinical testing. Allele origin: germline.
Comment: Absent from controls (or at extremely low frequency if recessive) in Genome Aggregation Database.;Multiple lines of computational evidence support a deleterious effect on the gene or gene product.

NM_015272.5(RPGRIP1L):c.3629A>G (p.Asp1210Gly)

Gene: RPGRIP1L (RPGRIP1 like; minus strand). Cytogenetic location: 16q12.2.
Variant type: single nucleotide variant.
Coding change: c.3629A>G on transcript NM_015272.5 (MANE Select); coding-DNA position 3629, A replaced by G.
Protein change: p.Asp1210Gly; replaces aspartic acid 1210 with glycine.
Molecular consequence: missense variant.
Genome position (GRCh38, 1-based): chr16:53,611,039, T>C on the plus strand (A>G on the coding strand, the complement: RPGRIP1L is on the minus strand). VCF-style: chr16-53611039-T-C. GRCh37 (hg19) VCF-style: chr16-53644951-T-C.
Other names: c.3389A>G, p.Asp1130Gly (NM_001127897.4); c.3491A>G, p.Asp1164Gly (NM_001308334.3); c.3527A>G, p.Asp1176Gly (NM_001330538.2); short protein forms D1164G, D1210G, D1130G, D1176G.
Identifiers: ClinVar variation 5005595 (VCV005005595.2).